The following is an entry in ClinVar:

ClinVar aggregate classification (germline): Conflicting classifications of pathogenicity. Review status: criteria provided, conflicting classifications (1 of 4 stars). 10 submissions from 10 submitters: Uncertain significance (1); Benign (1); Likely benign (7). 1 of the submissions does not count toward it. Last evaluated 2026-01-14.

Conditions:
ATM-related disorder. Also called: ATM-related disorders; ATM-related condition.
Hereditary cancer-predisposing syndrome. Also called: Tumor predisposition; Neoplastic Syndromes, Hereditary; Hereditary neoplastic syndrome; Hereditary Cancer Syndrome. Identifiers: Orphanet 140162, MedGen C0027672, MeSH D009386, MONDO:0015356.
Familial cancer of breast. Also called: BREAST CANCER, FAMILIAL; hereditary breast carcinoma; Hereditary breast cancer. Identifiers: Orphanet 227535, MedGen C0346153, MONDO:0016419, OMIM 114480. Disease mechanism: loss of function.
Ataxia-telangiectasia syndrome (AT). Also called: LOUIS-BAR SYNDROME; Ataxia-telangiectasia, complementation group D; AT, COMPLEMENTATION GROUP C; ATAXIA-TELANGIECTASIA, COMPLEMENTATION GROUP A; ATAXIA-TELANGIECTASIA, FRESNO VARIANT; Ataxia-telangiectasia. Identifiers: Orphanet 100, MedGen C0004135, MONDO:0008840, OMIM 208900.

Allele frequency attached by ClinVar (database versions not stated): gnomAD 0.00001; gnomAD exomes 0.00001 and 0.00002; ExAC 0.00003; TOPMed 0.00003.
gnomAD v4.1: 18 of 1,612,708 alleles (0.0011%); highest among the groups gnomAD compares: East Asian, 0.027%; no homozygotes.

Submissions (10):

Labcorp Genetics (formerly Invitae), Labcorp
Classification: Likely benign for Ataxia-telangiectasia syndrome. Last evaluated: 2026-01-14. Review status: criteria provided, single submitter. Criteria: Invitae Variant Classification Sherloc (09022015). Collection method: clinical testing. Allele origin: germline.

Blueprint Genetics
Classification: Likely benign. Last evaluated: 2024-09-20. Review status: criteria provided, single submitter. Criteria: ACMG Guidelines, 2015. Collection method: clinical testing. Allele origin: germline.

Myriad Genetics, Inc.
Classification: Benign for Familial cancer of breast. Last evaluated: 2024-04-19. Review status: criteria provided, single submitter. Criteria: Myriad Autosomal Dominant, Autosomal Recessive and X-Linked Classification Criteria (2023). Collection method: clinical testing. Allele origin: unknown.
Comment: This variant is considered benign. This variant is a silent/synonymous amino acid change and it is not expected to impact splicing.

Department of Pathology and Laboratory Medicine, Sinai Health System
Classification: Likely benign for Familial cancer of breast. Last evaluated: 2023-08-29. Review status: criteria provided, single submitter. Criteria: ACMG Guidelines, 2015. Collection method: clinical testing. Allele origin: germline. Affected: yes.

Women's Health and Genetics/Laboratory Corporation of America, LabCorp
Classification: Likely benign. Last evaluated: 2022-03-25. Review status: criteria provided, single submitter. Criteria: LabCorp Variant Classification Summary - May 2015. Collection method: clinical testing. Allele origin: germline.

GeneDx
Classification: Likely benign. Last evaluated: 2020-08-31. Review status: criteria provided, single submitter. Criteria: GeneDx Variant Classification Process June 2021. Collection method: clinical testing. Allele origin: germline. Affected: yes.

Illumina Laboratory Services, Illumina
Classification: Uncertain significance for Ataxia-telangiectasia syndrome. Last evaluated: 2018-01-13. Review status: criteria provided, single submitter. Criteria: ICSL Variant Classification Criteria 13 December 2019. Collection method: clinical testing. Allele origin: germline.

Color Diagnostics, LLC DBA Color Health
Classification: Likely benign for Hereditary cancer-predisposing syndrome. Last evaluated: 2017-07-28. Review status: criteria provided, single submitter. Criteria: ACMG Guidelines, 2015. Collection method: clinical testing. Allele origin: germline.

Ambry Genetics
Classification: Likely benign for Hereditary cancer-predisposing syndrome. Last evaluated: 2015-05-26. Review status: criteria provided, single submitter. Criteria: Ambry Variant Classification Scheme 2023. Collection method: clinical testing. Allele origin: germline.

PreventionGenetics, part of Exact Sciences
Classification: Likely benign for ATM-related condition. Last evaluated: 2023-08-17. Review status: no assertion criteria provided. Collection method: clinical testing. Allele origin: germline. Not counted in ClinVar's aggregate classification.
Comment: This variant is classified as likely benign based on ACMG/AMP sequence variant interpretation guidelines (Richards et al. 2015 PMID: 25741868, with internal and published modifications).

NM_000051.4(ATM):c.411C>T (p.Tyr137=)

Gene: ATM (ATM serine/threonine kinase; plus strand). Cytogenetic location: 11q22.3.
Variant type: single nucleotide variant.
Coding change: c.411C>T on transcript NM_000051.4 (MANE Select); coding-DNA position 411, C replaced by T.
Protein change: p.Tyr137=; no amino-acid change (tyrosine 137 retained).
Molecular consequence: synonymous variant.
Genome position (GRCh38, 1-based): chr11:108,235,749, C>T. VCF-style: chr11-108235749-C-T. GRCh37 (hg19) VCF-style: chr11-108106476-C-T.
Other names: c.411C>T, p.Tyr137= (NM_001351834.2).
Identifiers: ClinVar variation 183922 (VCV000183922.31), dbSNP rs756160533, ClinGen allele CA186984.
Genomic context (GRCh38, chr11:108,235,749, plus strand): 5'-TCAAGAACTCTTAAATTATATCATGGATACAGTGAAAGATTCATCTAATGGTGCTATTTA[C>T]GGAGCTGATTGTAGCAACATACTACTCAAAGACATTCTTTCTGTGAGAAAATACTGGTGT-3'
Protein context (NP_000042.3, residues 127-147): TVKDSSNGAI[Tyr137=]GADCSNILLK